The following is an entry in ClinVar:

NM_015166.4(MLC1):c.384G>A (p.Trp128Ter)

Gene: MLC1 (modulator of VRAC current 1; minus strand). Cytogenetic location: 22q13.33.
Variant type: single nucleotide variant.
Coding change: c.384G>A on transcript NM_015166.4 (MANE Select); coding-DNA position 384, G replaced by A.
Protein change: p.Trp128Ter; replaces tryptophan 128 with a stop codon.
Molecular consequence: nonsense. On other transcripts: non-coding transcript variant (3), intron variant (3).
Genome position (GRCh38, 1-based): chr22:50,079,957, C>T on the plus strand (G>A on the coding strand, the complement: MLC1 is on the minus strand). VCF-style: chr22-50079957-C-T. GRCh37 (hg19) VCF-style: chr22-50518386-C-T.
Other names: c.384G>A, p.Trp128Ter (NM_001376473.1, NM_001376474.1, NM_001376475.1 and 6 more transcripts); c.294G>A, p.Trp98Ter (NM_001376480.1); c.147G>A, p.Trp49Ter (NM_001376484.1); c.268-2455G>A (NM_001376482.1, NM_001376483.1); c.321+387G>A (NM_001376481.1); short protein forms W128*, W49*, W98*.
Identifiers: ClinVar variation 4815814 (VCV004815814.1).

ClinVar aggregate classification (germline): Likely pathogenic (1 of 4 stars; one submission).

Conditions:
Megalencephalic leukoencephalopathy with subcortical cysts. Also called: VAN DER KNAAP DISEASE. Identifiers: Orphanet 2478, MedGen C1858854, MONDO:0011391.

Submission:

Natera, Inc.
Classification: Likely pathogenic for Megalencephalic leukoencephalopathy with subcortical cysts. Last evaluated: 2025-11-20. Review status: criteria provided, single submitter. Criteria: Natera Variant Classification Schema (03/2026). Collection method: clinical testing. Allele origin: germline.
Comment: The c.384G>A variant in MLC1 is a nonsense variant predicted to introduce a stop codon at amino acid 128. This variant is expected to result in nonsense mediated decay, truncation, or a dysfunctional protein product. This variant is rare in the general population with a frequency below the threshold expected for the associated phenotype(s). Given the available evidence, this variant is classified as Likely Pathogenic.